The following is an entry in ClinVar:

NM_000138.5(FBN1):c.7539C>T (p.Pro2513=)

Gene: FBN1 (fibrillin 1; minus strand). Cytogenetic location: 15q21.1.
Variant type: single nucleotide variant.
Coding change: c.7539C>T on transcript NM_000138.5 (MANE Select); coding-DNA position 7539, C replaced by T.
Protein change: p.Pro2513=; no amino-acid change (proline 2513 retained).
Molecular consequence: synonymous variant.
Genome position (GRCh38, 1-based): chr15:48,421,983, G>A on the plus strand (C>T on the coding strand, the complement: FBN1 is on the minus strand). VCF-style: chr15-48421983-G-A. GRCh37 (hg19) VCF-style: chr15-48714180-G-A.
Other names: c.7539C>T (NM_000138.4).
Identifiers: ClinVar variation 1610318 (VCV001610318.10), dbSNP rs144713268, ClinGen allele CA058762.
Genomic context (GRCh38, chr15:48,421,983, plus strand): 5'-CATGTAGGATTTTTTCCTCTCCTACTCACCAATGCAGGACGTATGGTGTTGGGTAAATCC[G>A]GGAGGACATTTGCATGTGAAGCCGCCAATGGTGTTAACACATAGGAACTGGCAGTTGTGT-3'
Protein context (NP_000129.3, residues 2503-2523): TIGGFTCKCP[Pro2513=]GFTQHHTSCI

ClinVar aggregate classification (germline): Likely benign. Review status: criteria provided, multiple submitters, no conflicts (2 of 4 stars). 3 submissions from 3 submitters: Likely benign (3). Last evaluated 2025-03-13.

Conditions:
Marfan syndrome (MFS). Also called: Marfan syndrome, classic; MARFAN SYNDROME, TYPE I; Marfan syndrome type 1; Marfan's syndrome; FBN1-Related Marfan Syndrome. Identifiers: Orphanet 284963, Orphanet 558, MedGen C0024796, MONDO:0007947, OMIM 154700.
Familial thoracic aortic aneurysm and aortic dissection (TAAD). Also called: Thoracic aortic aneurysms and dissections. Identifiers: Orphanet 91387, MedGen C4707243, MONDO:0019625.

Allele frequency attached by ClinVar (database versions not stated): ExAC 0.00002; gnomAD exomes 0.00001; gnomAD 0.00001; TOPMed 0.00001; ESP Exome Variant Server 0.00008.
gnomAD v4.1: 15 of 1,613,828 alleles (0.00093%); highest among the groups gnomAD compares: East Asian, 0.018%; no homozygotes.

Submissions (3):

Labcorp Genetics (formerly Invitae), Labcorp
Classification: Likely benign for Marfan syndrome; Familial thoracic aortic aneurysm and aortic dissection. Last evaluated: 2025-03-13. Review status: criteria provided, single submitter. Criteria: Invitae Variant Classification Sherloc (09022015). Collection method: clinical testing. Allele origin: germline.

Ambry Genetics
Classification: Likely benign for Familial thoracic aortic aneurysm and aortic dissection. Last evaluated: 2024-12-20. Review status: criteria provided, single submitter. Criteria: Ambry Variant Classification Scheme 2023. Collection method: clinical testing. Allele origin: germline.

All of Us Research Program, National Institutes of Health
Classification: Likely benign for Marfan syndrome. Last evaluated: 2023-04-03. Review status: criteria provided, single submitter. Criteria: ACMG Guidelines, 2015. Collection method: clinical testing. Allele origin: germline. Inheritance: Autosomal dominant inheritance. Observed: 1 variant allele, 1 heterozygote.
Comment: This study involves interpretation of variants in research participants for the purpose of population health screening. Participant phenotype was not available at the time of variant classification. Additional details can be found in publication PMID: 35346344, PMCID: PMC8962531